The following is an entry in ClinVar:

NM_000082.4(ERCC8):c.400-1G>A

Gene: ERCC8 (ERCC excision repair 8, CSA ubiquitin ligase complex subunit; minus strand). Cytogenetic location: 5q12.1.
Variant type: single nucleotide variant.
Coding change: c.400-1G>A on transcript NM_000082.4 (MANE Select); the canonical splice acceptor site of the intron before coding-DNA position 400, G replaced by A.
Molecular consequence: splice acceptor variant. On other transcripts: intron variant (1).
Genome position (GRCh38, 1-based): chr5:60,904,874, C>T on the plus strand (G>A on the coding strand, the complement: ERCC8 is on the minus strand). VCF-style: chr5-60904874-C-T. GRCh37 (hg19) VCF-style: chr5-60200701-C-T.
Other names: c.23-1158G>A (NM_001290285.2); c.226-1G>A (NM_001007233.3); c.400-1G>A (NM_001007234.3).
Identifiers: ClinVar variation 377831 (VCV000377831.3), dbSNP rs1057520280, ClinGen allele CA16604968.

ClinVar aggregate classification (germline): Likely pathogenic (1 of 4 stars; one submission).

Submission:

GeneDx
Classification: Likely pathogenic. Last evaluated: 2024-04-30. Review status: criteria provided, single submitter. Criteria: GeneDx Variant Classification Process June 2021. Collection method: clinical testing. Allele origin: germline. Affected: yes.
Comment: Canonical splice site variant predicted to result in a null allele in a gene for which loss of function is a known mechanism of disease; Not observed at significant frequency in large population cohorts (gnomAD); Has not been previously published as pathogenic or benign to our knowledge